The following is an entry in ClinVar:

ClinVar aggregate classification (germline): Benign/Likely benign. Review status: criteria provided, multiple submitters, no conflicts (2 of 4 stars). 2 submissions from 2 submitters: Benign (1); Likely benign (1). Last evaluated 2025-10-29.

Allele frequency attached by ClinVar (database versions not stated): ExAC 0.00002; gnomAD exomes 0.00002; TOPMed 0.00003; gnomAD 0.00005 and 0.00006.
gnomAD v4.1: 195 of 1,613,846 alleles (0.012%); highest among the groups gnomAD compares: Non-Finnish European, 0.016%; no homozygotes.

Submissions (2):

Labcorp Genetics (formerly Invitae), Labcorp
Classification: Benign. Last evaluated: 2025-10-29. Review status: criteria provided, single submitter. Criteria: Invitae Variant Classification Sherloc (09022015). Collection method: clinical testing. Allele origin: germline.

GeneDx
Classification: Likely benign. Last evaluated: 2020-12-04. Review status: criteria provided, single submitter. Criteria: GeneDx Variant Classification Process June 2021. Collection method: clinical testing. Allele origin: germline. Affected: yes.
Comment: See Variant Classification Assertion Criteria.

NM_015559.3(SETBP1):c.4204C>T (p.Arg1402Trp)

Gene: SETBP1 (SET binding protein 1; plus strand). Cytogenetic location: 18q12.3.
Variant type: single nucleotide variant.
Coding change: c.4204C>T on transcript NM_015559.3 (MANE Select); coding-DNA position 4204, C replaced by T.
Protein change: p.Arg1402Trp; replaces arginine 1402 with tryptophan.
Molecular consequence: missense variant.
Genome position (GRCh38, 1-based): chr18:45,063,111, C>T. VCF-style: chr18-45063111-C-T. GRCh37 (hg19) VCF-style: chr18-42643076-C-T.
Other names: c.4204C>T, p.Arg1402Trp (LRG_1150t1); short protein forms R1402W.
Identifiers: ClinVar variation 1469605 (VCV001469605.8), dbSNP rs761262114, ClinGen allele CA8946119.